The following is an entry in ClinVar:

NM_018451.5(CPAP):c.328G>T (p.Ala110Ser)

Gene: CPAP (centrosome assembly and centriole elongation protein; minus strand). Cytogenetic location: 13q12.13.
Variant type: single nucleotide variant.
Coding change: c.328G>T on transcript NM_018451.5 (MANE Select); coding-DNA position 328, G replaced by T.
Protein change: p.Ala110Ser; replaces alanine 110 with serine.
Molecular consequence: missense variant. On other transcripts: non-coding transcript variant (2).
Genome position (GRCh38, 1-based): chr13:24,912,698, C>A on the plus strand (G>T on the coding strand, the complement: CPAP is on the minus strand). VCF-style: chr13-24912698-C-A. GRCh37 (hg19) VCF-style: chr13-25486836-C-A.
Other names: short protein forms A110S.
Identifiers: ClinVar variation 2008026 (VCV002008026.4), dbSNP rs2541727148, ClinGen allele CA387591600.
Genomic context (GRCh38, chr13:24,912,698, plus strand): 5'-CAAGATCTGGGATGAAGTCATTTTTGTTTTCTTCCTGGTGTCCAGGAGCACTGTGACATG[C>A]CGCTACCTGTGGTCCCTTTTTAATGCAAGGAAAGGCTGTATGGGTTTCAGATTTATCTGA-3'
Protein context (NP_060921.3, residues 100-120): PCIKKGPQVA[Ala110Ser]CHSAPGHQEE

ClinVar aggregate classification (germline): Uncertain significance (1 of 4 stars; one submission).

Allele frequency attached by ClinVar (database versions not stated): gnomAD exomes below 0.00001.
gnomAD v4.1: 1 of 1,614,154 alleles (0.000062%); highest among the groups gnomAD compares: Non-Finnish European, 0.000085%; no homozygotes.

Submission:

Labcorp Genetics (formerly Invitae), Labcorp
Classification: Uncertain significance. Last evaluated: 2023-11-27. Review status: criteria provided, single submitter. Criteria: Invitae Variant Classification Sherloc (09022015). Collection method: clinical testing. Allele origin: germline.
Comment: This sequence change replaces alanine, which is neutral and non-polar, with serine, which is neutral and polar, at codon 110 of the CENPJ protein (p.Ala110Ser). This variant is not present in population databases (gnomAD no frequency). This variant has not been reported in the literature in individuals affected with CENPJ-related conditions. ClinVar contains an entry for this variant (Variation ID: 2008026). Algorithms developed to predict the effect of missense changes on protein structure and function output the following: SIFT: "Not Available"; PolyPhen-2: "Benign"; Align-GVGD: "Not Available". The serine amino acid residue is found in multiple mammalian species, which suggests that this missense change does not adversely affect protein function. In summary, the available evidence is currently insufficient to determine the role of this variant in disease. Therefore, it has been classified as a Variant of Uncertain Significance.